The following is an entry in ClinVar:

NC_000023.10:g.(?_152980977)_(152981164_?)del

Gene: BCAP31 (B cell receptor associated protein 31; minus strand). Cytogenetic location: Xq28.
Variant type: Deletion.
Identifiers: ClinVar variation 1460375 (VCV001460375.6).

ClinVar aggregate classification (germline): Pathogenic (1 of 4 stars; one submission).

Submission:

Labcorp Genetics (formerly Invitae), Labcorp
Classification: Pathogenic. Last evaluated: 2021-05-13. Review status: criteria provided, single submitter. Criteria: Invitae Variant Classification Sherloc (09022015). Collection method: clinical testing. Allele origin: germline.
Comment: For these reasons, this variant has been classified as Pathogenic. This variant has not been reported in the literature in individuals with BCAP31-related conditions. This variant is a gross deletion of the genomic region encompassing exon(s) 4 of the BCAP31 gene. This deletion is out-of-frame, and is expected to create a premature translational stop signal and result in an absent or disrupted protein product. Loss-of-function variants in BCAP31 are known to be pathogenic (PMID: 24011989).

Literature cited by the submitters: PubMed 24011989.